The following is an entry in ClinVar:

NC_000019.9:g.(?_49713446)_(49714755_?)del

Gene: TRPM4 (transient receptor potential cation channel subfamily M member 4; plus strand). Cytogenetic location: 19q13.33.
Variant type: Deletion.
Identifiers: ClinVar variation 1412066 (VCV001412066.7).

ClinVar aggregate classification (germline): Uncertain significance (1 of 4 stars; one submission).

Conditions:
Progressive familial heart block type IB (PFHB1B). Identifiers: Orphanet 871, MedGen C1970298, MONDO:0011474, OMIM 604559.

Submission:

Labcorp Genetics (formerly Invitae), Labcorp
Classification: Uncertain significance for Progressive familial heart block type IB. Last evaluated: 2023-11-24. Review status: criteria provided, single submitter. Criteria: Invitae Variant Classification Sherloc (09022015). Collection method: clinical testing. Allele origin: germline.
Comment: This variant is a gross deletion of the genomic region encompassing exon(s) 21-25 of the TRPM4 gene, which includes the termination codon. This deletion extends beyond the assayed region for this gene and therefore may encompass additional genes. While this deletion is not anticipated to lead to nonsense mediated decay, it is expected to alter mRNA translation or result in a truncated protein product. This variant has not been reported in the literature in individuals affected with TRPM4-related conditions. Experimental studies and prediction algorithms are not available or were not evaluated, and the functional significance of this variant is currently unknown. In summary, the available evidence is currently insufficient to determine the role of this variant in disease. Therefore, it has been classified as a Variant of Uncertain Significance.